The following is an entry in ClinVar:

ClinVar aggregate classification (germline): Uncertain significance (1 of 4 stars; one submission).

Submission:

GeneDx
Classification: Uncertain significance. Last evaluated: 2025-08-08. Review status: criteria provided, single submitter. Criteria: GeneDx Variant Classification Process June 2021. Collection method: clinical testing. Allele origin: germline. Affected: yes.
Comment: Not observed at significant frequency in large population cohorts (gnomAD); In silico analysis suggests that this missense variant does not alter protein structure/function; Has not been previously published as pathogenic or benign to our knowledge

NM_005045.4(RELN):c.746G>A (p.Arg249Gln)

Gene: RELN (reelin; minus strand). Cytogenetic location: 7q22.1.
Variant type: single nucleotide variant.
Coding change: c.746G>A on transcript NM_005045.4 (MANE Select); coding-DNA position 746, G replaced by A.
Protein change: p.Arg249Gln; replaces arginine 249 with glutamine.
Molecular consequence: missense variant.
Genome position (GRCh38, 1-based): chr7:103,728,118, C>T on the plus strand (G>A on the coding strand, the complement: RELN is on the minus strand). VCF-style: chr7-103728118-C-T. GRCh37 (hg19) VCF-style: chr7-103368565-C-T.
Other names: c.746G>A, p.Arg249Gln (NM_173054.3); short protein forms R249Q.
Identifiers: ClinVar variation 4755662 (VCV004755662.1).
Genomic context (GRCh38, chr7:103,728,118, plus strand): 5'-AAAGCTCAGTAAATACTATAATGGAATAATGTACATGAATAGCACATACTTACCAGTTCT[C>T]GTGGGCCATATGGTTCACAGAAGGTGACGGCATTGCCATGCATAATCGCGCCACACTGTT-3'
Protein context (NP_005036.2, residues 239-259): AVTFCEPYGP[Arg249Gln]ELITTGLNTT